The following is an entry in ClinVar:

ClinVar aggregate classification (germline): Uncertain significance. Review status: criteria provided, multiple submitters, no conflicts (2 of 4 stars). 2 submissions from 2 submitters: Uncertain significance (2). Last evaluated 2024-09-17.

Conditions:
Hereditary spastic paraplegia 8 (SPG8). Also called: SPASTIC PARAPLEGIA 8, AUTOSOMAL DOMINANT. Identifiers: Orphanet 100989, MedGen C1863704, MONDO:0011339, OMIM 603563.
Ritscher-Schinzel syndrome. Also called: CRANIOCEREBELLOCARDIAC DYSPLASIA. Identifiers: Orphanet 7, MedGen C0796137, MONDO:0019078.
Hereditary spastic paraplegia. Also called: Familial spastic paraparesis. Identifiers: Orphanet 685, MedGen C0037773, MONDO:0019064. Disease mechanism: loss of function.

Submissions (2):

Labcorp Genetics (formerly Invitae), Labcorp
Classification: Uncertain significance for Ritscher-Schinzel syndrome; Hereditary spastic paraplegia 8. Last evaluated: 2024-09-17. Review status: criteria provided, single submitter. Criteria: Invitae Variant Classification Sherloc (09022015). Collection method: clinical testing. Allele origin: germline.
Comment: This sequence change replaces isoleucine, which is neutral and non-polar, with phenylalanine, which is neutral and non-polar, at codon 629 of the WASHC5 protein (p.Ile629Phe). This variant is not present in population databases (gnomAD no frequency). This variant has not been reported in the literature in individuals affected with WASHC5-related conditions. ClinVar contains an entry for this variant (Variation ID: 1344364). Invitae Evidence Modeling of protein sequence and biophysical properties (such as structural, functional, and spatial information, amino acid conservation, physicochemical variation, residue mobility, and thermodynamic stability) indicates that this missense variant is expected to disrupt WASHC5 protein function with a positive predictive value of 80%. In summary, the available evidence is currently insufficient to determine the role of this variant in disease. Therefore, it has been classified as a Variant of Uncertain Significance.

Genome Diagnostics Laboratory, The Hospital for Sick Children
Classification: Uncertain significance for Hereditary spastic paraplegia. Last evaluated: 2019-10-01. Review status: criteria provided, single submitter. Criteria: ACMG Guidelines, 2015. Collection method: clinical testing. Allele origin: germline. Affected: yes.

NM_014846.4(WASHC5):c.1885A>T (p.Ile629Phe)

Gene: WASHC5 (WASH complex subunit 5; minus strand). Cytogenetic location: 8q24.13.
Variant type: single nucleotide variant.
Coding change: c.1885A>T on transcript NM_014846.4 (MANE Select); coding-DNA position 1885, A replaced by T.
Protein change: p.Ile629Phe; replaces isoleucine 629 with phenylalanine.
Molecular consequence: missense variant.
Genome position (GRCh38, 1-based): chr8:125,056,808, T>A on the plus strand (A>T on the coding strand, the complement: WASHC5 is on the minus strand). VCF-style: chr8-125056808-T-A. GRCh37 (hg19) VCF-style: chr8-126069050-T-A.
Other names: c.1441A>T, p.Ile481Phe (NM_001330609.2); short protein forms I481F, I629F.
Identifiers: ClinVar variation 1344364 (VCV001344364.5), dbSNP rs1277499447, ClinGen allele CA372191198.